The following is an entry in ClinVar:

NM_001003800.2(BICD2):c.224T>C (p.Met75Thr)

Gene: BICD2 (BICD cargo adaptor 2; minus strand). Cytogenetic location: 9q22.31.
Variant type: single nucleotide variant.
Coding change: c.224T>C on transcript NM_001003800.2 (MANE Select); coding-DNA position 224, T replaced by C.
Protein change: p.Met75Thr; replaces methionine 75 with threonine.
Molecular consequence: missense variant.
Genome position (GRCh38, 1-based): chr9:92,764,521, A>G on the plus strand (T>C on the coding strand, the complement: BICD2 is on the minus strand). VCF-style: chr9-92764521-A-G. GRCh37 (hg19) VCF-style: chr9-95526803-A-G.
Other names: c.224T>C, p.Met75Thr (NM_015250.4); short protein forms M75T.
Identifiers: ClinVar variation 2580993 (VCV002580993.1), dbSNP rs1854440624, ClinGen allele CA374031855.

ClinVar aggregate classification (germline): Uncertain significance (1 of 4 stars; one submission).

Conditions:
Autosomal dominant childhood-onset proximal spinal muscular atrophy with contractures (SMALED2A). Also called: SPINAL MUSCULAR ATROPHY, LOWER EXTREMITY-PREDOMINANT, 2A, CHILDHOOD ONSET, AUTOSOMAL DOMINANT; Spinal muscular atrophy, lower extremity-predominant, 2A, autosomal dominant. Identifiers: Orphanet 363447, Orphanet 363454, MedGen C4747715, MONDO:0014121, OMIM 615290.

Submission:

Dr. med. U. Finckh, Human Genetics, Eurofins MVZ
Classification: Uncertain significance for Autosomal dominant childhood-onset proximal spinal muscular atrophy with contractures. Last evaluated: 2020-11-03. Review status: criteria provided, single submitter. Criteria: ACMG Guidelines, 2015. Collection method: clinical testing. Allele origin: unknown.
Comment: Typically, BICD2-related disease is associated with more severe symptoms and earlier onset. However, one report describes a family with later onset and milder features (PMID: 23664120). With regard to this, the variant was considered potentially relevant for differential diagnostic approaches.